The following is an entry in ClinVar:

ClinVar aggregate classification (germline): Conflicting classifications of pathogenicity. Review status: criteria provided, conflicting classifications (1 of 4 stars). 9 submissions from 9 submitters: Uncertain significance (5); Likely benign (4). Last evaluated 2026-01-30.

Conditions:
Aortic aneurysm, familial thoracic 7 (AAT7). Also called: AORTIC DISSECTION, FAMILIAL, WITH OR WITHOUT AORTIC ANEURYSM. Identifiers: MedGen C3151077, MONDO:0013418, OMIM 613780.
Familial thoracic aortic aneurysm and aortic dissection (TAAD). Also called: Thoracic aortic aneurysms and dissections. Identifiers: Orphanet 91387, MedGen C4707243, MONDO:0019625.

Allele frequency attached by ClinVar (database versions not stated): ExAC 0.00008; gnomAD exomes 0.00010 and 0.00014; gnomAD 0.00016 and 0.00019; TOPMed 0.00020; ESP Exome Variant Server 0.00046.
gnomAD v4.1: 217 of 1,614,160 alleles (0.013%); highest among the groups gnomAD compares: African/African-American, 0.051%; no homozygotes.

Submissions (9):

Labcorp Genetics (formerly Invitae), Labcorp
Classification: Likely benign for Aortic aneurysm, familial thoracic 7. Last evaluated: 2026-01-30. Review status: criteria provided, single submitter. Criteria: Invitae Variant Classification Sherloc (09022015). Collection method: clinical testing. Allele origin: germline.

GeneDx
Classification: Uncertain significance. Last evaluated: 2025-09-02. Review status: criteria provided, single submitter. Criteria: GeneDx Variant Classification Process June 2021. Collection method: clinical testing. Allele origin: germline. Affected: yes.
Comment: Has not been previously published as pathogenic or benign to our knowledge; In silico analysis suggests that this missense variant does not alter protein structure/function

Ambry Genetics
Classification: Likely benign for Familial thoracic aortic aneurysm and aortic dissection. Last evaluated: 2024-09-06. Review status: criteria provided, single submitter. Criteria: Ambry Variant Classification Scheme 2023. Collection method: clinical testing. Allele origin: germline.

ARUP Laboratories, Molecular Genetics and Genomics, ARUP Laboratories
Classification: Uncertain significance. Last evaluated: 2023-11-22. Review status: criteria provided, single submitter. Criteria: ARUP Molecular Germline Variant Investigation Process 2024. Collection method: clinical testing. Allele origin: germline.
Comment: The MYLK c.257G>A; p.Arg86Gln variant (rs138265409, ClinVar variant ID 264174), to our knowledge, is not reported in the medical literature, gene specific variation databases, nor has it been previously identified by our laboratory. This variant is listed in the genome Aggregation Database (gnomAD) with an overall population frequency of 0.03% (identified on 8 out of 24,028 chromosomes). The arginine at position 86 is weakly conserved, considering 12 species, and computational analyses of the effects of the p.Arg86Gln variant on protein structure and function make conflicting predictions (SIFT: tolerated, PolyPhen-2: probably damaging). Based on the available information, the clinical significance of the p.Arg86Gln variant cannot be determined with certainty.

Women's Health and Genetics/Laboratory Corporation of America, LabCorp
Classification: Likely benign. Last evaluated: 2022-05-28. Review status: criteria provided, single submitter. Criteria: LabCorp Variant Classification Summary - May 2015. Collection method: clinical testing. Allele origin: germline.

CeGaT Center for Human Genetics Tuebingen
Classification: Uncertain significance. Last evaluated: 2020-07-01. Review status: criteria provided, single submitter. Criteria: CeGaT Center For Human Genetics Tuebingen Variant Classification Criteria Version 2. Collection method: clinical testing. Allele origin: germline. Affected: yes. Observed: 1 variant allele.

CHEO Genetics Diagnostic Laboratory, Children's Hospital of Eastern Ontario
Classification: Likely benign for Familial thoracic aortic aneurysm and aortic dissection. Last evaluated: 2018-01-19. Review status: criteria provided, single submitter. Criteria: ACMG Guidelines, 2015. Collection method: clinical testing. Allele origin: germline.

Illumina Laboratory Services, Illumina
Classification: Uncertain significance for Aortic aneurysm, familial thoracic 7. Last evaluated: 2018-01-13. Review status: criteria provided, single submitter. Criteria: ICSL Variant Classification Criteria 13 December 2019. Collection method: clinical testing. Allele origin: germline.

Eurofins Ntd Llc (ga)
Classification: Uncertain significance. Last evaluated: 2017-04-06. Review status: criteria provided, single submitter. Criteria: EGL Classification Definitions 2015. Collection method: clinical testing. Allele origin: germline. Observed: 1 variant allele, 1 heterozygote.

NM_053025.4(MYLK):c.257G>A (p.Arg86Gln)

Gene: MYLK (myosin light chain kinase; minus strand). Cytogenetic location: 3q21.1.
Variant type: single nucleotide variant.
Coding change: c.257G>A on transcript NM_053025.4 (MANE Select); coding-DNA position 257, G replaced by A.
Protein change: p.Arg86Gln; replaces arginine 86 with glutamine.
Molecular consequence: missense variant. On other transcripts: intron variant (1).
Genome position (GRCh38, 1-based): chr3:123,752,447, C>T on the plus strand (G>A on the coding strand, the complement: MYLK is on the minus strand). VCF-style: chr3-123752447-C-T. GRCh37 (hg19) VCF-style: chr3-123471294-C-T.
Other names: c.257G>A, p.Arg86Gln (NM_053026.4, NM_053027.4, NM_053028.4); c.-155-12446G>A (NM_001321309.2); short protein forms R86Q.
Identifiers: ClinVar variation 264174 (VCV000264174.70), dbSNP rs138265409, ClinGen allele CA069022.
Genomic context (GRCh38, chr3:123,752,447, plus strand): 5'-CAGGTATACTTTCCCCTGTCCTCCTCATGGACAGCATGAATCACAAGGCTGAAAGTCCCC[C>T]GGATGCCGCAATCCAGCAGGAAGCGGCCCCCGCTGGTGATGGGTTGCCCGTTTCTGTGCC-3'
Protein context (NP_444253.3, residues 76-96): GGRFLLDCGI[Arg86Gln]GTFSLVIHAV